The following is an entry in ClinVar:

ClinVar aggregate classification (germline): Likely pathogenic (1 of 4 stars; one submission).

Conditions:
Microscopic hematuria. Also called: Microhematuria. Identifiers: MedGen C0239937, HP:0002907.
Hematuria. Identifiers: MedGen C0018965, HP:0000790.

Submission:

Centre for Mendelian Genomics, University Medical Centre Ljubljana
Classification: Likely pathogenic for Hematuria; Microscopic hematuria. Last evaluated: 2019-11-05. Review status: criteria provided, single submitter. Criteria: ACMG guidelines, Richards 2015. Collection method: clinical testing. Allele origin: germline. Affected: yes.
Comment: This variant was classified as: Likely pathogenic. The following ACMG criteria were applied in classifying this variant: PS4_MOD,PM1,PM2,PP2,PP3. This variant was detected in heterozygous state.

NM_033380.3(COL4A5):c.1397G>A (p.Gly466Glu)

Gene: COL4A5 (collagen type IV alpha 5 chain; plus strand). Cytogenetic location: Xq22.3.
Variant type: single nucleotide variant.
Coding change: c.1397G>A on transcript NM_033380.3 (MANE Select); coding-DNA position 1397, G replaced by A.
Protein change: p.Gly466Glu; replaces glycine 466 with glutamic acid.
Molecular consequence: missense variant.
Genome position (GRCh38, 1-based): chrX:108,591,618, G>A. VCF-style: chrX-108591618-G-A. GRCh37 (hg19) VCF-style: chrX-107834848-G-A.
Other names: c.1397G>A, p.Gly466Glu (NM_000495.5); short protein forms G466E.
Identifiers: ClinVar variation 24406 (VCV000024406.5), dbSNP rs104886114, ClinGen allele CA258469.
Genomic context (GRCh38, chrX:108,591,618, plus strand): 5'-CAGGTGATGAGATATGTGAACCAGGCCCTCCAGGCCCCCCAGGATCTCCAGGTGATAAAG[G>A]ACTCCAAGGAGAACAAGGAGTGAAAGGTTTGATCTCCAAACATATTCATTCCTTCATTTT-3'
Protein context (NP_203699.1, residues 456-476): PGPPGSPGDK[Gly466Glu]LQGEQGVKGD